The following is an entry in ClinVar:

NM_004646.4(NPHS1):c.3482G>T (p.Gly1161Val)

Gene: NPHS1 (NPHS1 adhesion molecule, nephrin; minus strand). Cytogenetic location: 19q13.12.
Variant type: single nucleotide variant.
Coding change: c.3482G>T on transcript NM_004646.4 (MANE Select); coding-DNA position 3482, G replaced by T.
Protein change: p.Gly1161Val; replaces glycine 1161 with valine.
Molecular consequence: missense variant.
Genome position (GRCh38, 1-based): chr19:35,830,956, C>A on the plus strand (G>T on the coding strand, the complement: NPHS1 is on the minus strand). VCF-style: chr19-35830956-C-A. GRCh37 (hg19) VCF-style: chr19-36321858-C-A.
Other names: short protein forms G1161V.
Identifiers: ClinVar variation 56501 (VCV000056501.2), dbSNP rs386833939, ClinGen allele CA250231.
Genomic context (GRCh38, chr19:35,830,956, plus strand): 5'-CTTTCTACCTCATCATACAAGTGCCCAGGGAAGGCCATATCCTCATCTTCACCTGTGAAA[C>A]CTGGAGTTGGAGTGGAAGGGAGACACGATCAAGGCACCCAGTCCAGGCGTCGGGGGTACC-3'
Protein context (NP_004637.1, residues 1151-1171): PTQEEVSYSR[Gly1161Val]FTGEDEDMAF

ClinVar aggregate classification (germline): Likely pathogenic (0 of 4 stars; one submission).

Conditions:
Finnish congenital nephrotic syndrome (NPHS1). Also called: NEPHROTIC SYNDROME, TYPE 1. Identifiers: Orphanet 839, MedGen C0403399, MONDO:0009732, OMIM 256300.

Submission:

Juha Muilu Group; Institute for Molecular Medicine Finland (FIMM)
Classification: Likely pathogenic for Finnish congenital nephrotic syndrome. Review status: no assertion criteria provided. Collection method: not provided. Allele origin: unknown.
Comment: FinDis database variant: This variant was not found or characterized by our laboratory, data were collected from public sources: see reference
ClinVar note: Converted during submission from probable-pathogenic to Likely pathogenic.